The following is an entry in ClinVar:

ClinVar aggregate classification (germline): Uncertain significance (1 of 4 stars; one submission).

Conditions:
ALG6-congenital disorder of glycosylation 1C (CDG1C). Also called: CDG Ic; CARBOHYDRATE-DEFICIENT GLYCOPROTEIN SYNDROME, TYPE I, WITH DEFICIENT GLYCOSYLATION OF DOLICHOL-LINKED OLIGOSACCHARIDE; CARBOHYDRATE-DEFICIENT GLYCOPROTEIN SYNDROME, TYPE V; Congenital disorder of glycosylation type 1C; Congenital disorder of glycosylation, type Ic. Identifiers: Orphanet 79320, MedGen C2930997, MONDO:0011291, OMIM 603147.

Submission:

Labcorp Genetics (formerly Invitae), Labcorp
Classification: Uncertain significance for ALG6-congenital disorder of glycosylation 1C. Last evaluated: 2022-08-19. Review status: criteria provided, single submitter. Criteria: Invitae Variant Classification Sherloc (09022015). Collection method: clinical testing. Allele origin: germline.
Comment: This sequence change replaces threonine, which is neutral and polar, with arginine, which is basic and polar, at codon 8 of the ALG6 protein (p.Thr8Arg). This variant is not present in population databases (gnomAD no frequency). This variant has not been reported in the literature in individuals affected with ALG6-related conditions. Algorithms developed to predict the effect of missense changes on protein structure and function (SIFT, PolyPhen-2, Align-GVGD) all suggest that this variant is likely to be tolerated. In summary, the available evidence is currently insufficient to determine the role of this variant in disease. Therefore, it has been classified as a Variant of Uncertain Significance.

NM_013339.4(ALG6):c.23C>G (p.Thr8Arg)

Gene: ALG6 (ALG6 alpha-1,3-glucosyltransferase; plus strand). Cytogenetic location: 1p31.3.
Variant type: single nucleotide variant.
Coding change: c.23C>G on transcript NM_013339.4 (MANE Select); coding-DNA position 23, C replaced by G.
Protein change: p.Thr8Arg; replaces threonine 8 with arginine.
Molecular consequence: missense variant.
Genome position (GRCh38, 1-based): chr1:63,371,000, C>G. VCF-style: chr1-63371000-C-G. GRCh37 (hg19) VCF-style: chr1-63836671-C-G.
Other names: short protein forms T8R.
Identifiers: ClinVar variation 1716695 (VCV001716695.3), dbSNP rs2523646265, ClinGen allele CA340636802.